The following is an entry in ClinVar:

NM_022489.4(INF2):c.391+6C>T

Gene: INF2 (inverted formin 2; plus strand). Cytogenetic location: 14q32.33.
Variant type: single nucleotide variant.
Coding change: c.391+6C>T on transcript NM_022489.4 (MANE Select); 6 bases into the intron after coding-DNA position 391, C replaced by T.
Molecular consequence: intron variant.
Genome position (GRCh38, 1-based): chr14:104,701,762, C>T. VCF-style: chr14-104701762-C-T. GRCh37 (hg19) VCF-style: chr14-105168099-C-T.
Other names: p.?; c.391+6C>T (NM_001031714.4, NM_032714.3).
Identifiers: ClinVar variation 261624 (VCV000261624.25), dbSNP rs75115369, ClinGen allele CA7372276.

ClinVar aggregate classification (germline): Benign. Review status: criteria provided, multiple submitters, no conflicts (2 of 4 stars). 12 submissions from 12 submitters: Benign (9). 3 of the submissions do not count toward it. Last evaluated 2026-01-28.

Conditions:
Focal segmental glomerulosclerosis 5 (FSGS5). Identifiers: Orphanet 656, MedGen C2750475, MONDO:0013191, OMIM 613237.
Focal segmental glomerulosclerosis (FSGS). Also called: Glomerulosclerosis, focal; Focal sclerosis with hyalinosis. Identifiers: MedGen C0017668, MONDO:0100313, HP:0000097. Disease mechanism: loss of function.
Charcot-Marie-Tooth disease dominant intermediate E. Also called: CHARCOT-MARIE-TOOTH NEUROPATHY WITH FOCAL SEGMENTAL GLOMERULONEPHRITIS. Identifiers: Orphanet 93114, MedGen C4302667, MONDO:0013758, OMIM 614455.

Allele frequency attached by ClinVar (database versions not stated): ExAC 0.02250; ESP Exome Variant Server 0.03367; TOPMed 0.03785; 1000 Genomes Project 0.04173; 1000 Genomes Project 30x 0.04575.
gnomAD v4.1: 10,206 of 1,496,660 alleles (0.68%); highest among the groups gnomAD compares: African/African-American, 13%; 627 homozygotes.

Submissions (12):

Labcorp Genetics (formerly Invitae), Labcorp
Classification: Benign for Charcot-Marie-Tooth disease dominant intermediate E; Focal segmental glomerulosclerosis 5. Last evaluated: 2026-01-28. Review status: criteria provided, single submitter. Criteria: Invitae Variant Classification Sherloc (09022015). Collection method: clinical testing. Allele origin: germline.

Blueprint Genetics
Classification: Benign. Last evaluated: 2024-11-27. Review status: criteria provided, single submitter. Criteria: ACMG Guidelines, 2015. Collection method: clinical testing. Allele origin: germline.

Mayo Clinic Laboratories, Mayo Clinic
Classification: Benign. Last evaluated: 2023-03-26. Review status: criteria provided, single submitter. Criteria: ACMG Guidelines, 2015. Collection method: clinical testing. Allele origin: germline. Observed: 44 variant alleles.

Genome Diagnostics Laboratory, The Hospital for Sick Children
Classification: Benign for Focal segmental glomerulosclerosis. Last evaluated: 2022-03-14. Review status: criteria provided, single submitter. Criteria: ACMG Guidelines, 2015. Collection method: clinical testing. Allele origin: germline.

Illumina Laboratory Services, Illumina
Classification: Benign for Focal segmental glomerulosclerosis 5. Last evaluated: 2018-01-12. Review status: criteria provided, single submitter. Criteria: ICSL Variant Classification Criteria 13 December 2019. Collection method: clinical testing. Allele origin: germline.
Comment: This variant was observed in the ICSL laboratory as part of a predisposition screen in an ostensibly healthy population. It had not been previously curated by ICSL or reported in the Human Gene Mutation Database (HGMD: prior to June 1st, 2018), and was therefore a candidate for classification through an automated scoring system. Utilizing variant allele frequency, disease prevalence and penetrance estimates, and inheritance mode, an automated score was calculated to assess if this variant is too frequent to cause the disease. Based on the score and internal cut-off values, a variant classified as benign is not then subjected to further curation. The score for this variant resulted in a classification of benign for this disease.

Athena Diagnostics
Classification: Benign. Last evaluated: 2017-11-02. Review status: criteria provided, single submitter. Criteria: Athena Diagnostics Criteria. Collection method: clinical testing. Allele origin: germline.

GeneDx
Classification: Benign. Last evaluated: 2016-03-31. Review status: criteria provided, single submitter. Criteria: GeneDx Variant Classification (06012015). Collection method: clinical testing. Allele origin: germline. Affected: yes.
Comment: This variant is considered likely benign or benign based on one or more of the following criteria: it is a conservative change, it occurs at a poorly conserved position in the protein, it is predicted to be benign by multiple in silico algorithms, and/or has population frequency not consistent with disease.

Breakthrough Genomics
Classification: Benign. Review status: criteria provided, single submitter. Criteria: ACMG Guidelines, 2015. Collection method: not provided. Allele origin: germline. Inheritance: Autosomal dominant inheritance. Affected: yes.

PreventionGenetics, part of Exact Sciences
Classification: Benign. Review status: criteria provided, single submitter. Criteria: ACMG Guidelines, 2015. Collection method: clinical testing. Allele origin: germline.

Clinical Genetics, Academic Medical Center
Classification: Benign. Review status: no assertion criteria provided. Collection method: clinical testing. Allele origin: germline. Affected: yes. Study: VKGL Data-share Consensus. Not counted in ClinVar's aggregate classification.

Genome Diagnostics Laboratory, University Medical Center Utrecht
Classification: Benign. Review status: no assertion criteria provided. Collection method: clinical testing. Allele origin: germline. Affected: yes. Study: VKGL Data-share Consensus. Not counted in ClinVar's aggregate classification.

Joint Genome Diagnostic Labs from Nijmegen and Maastricht, Radboudumc and MUMC+
Classification: Benign. Review status: no assertion criteria provided. Collection method: clinical testing. Allele origin: germline. Affected: yes. Study: VKGL Data-share Consensus. Not counted in ClinVar's aggregate classification.